The following is an entry in ClinVar:

NM_033026.6(PCLO):c.5127A>C (p.Glu1709Asp)

Gene: PCLO (piccolo presynaptic cytomatrix protein; minus strand). Cytogenetic location: 7q21.11.
Variant type: single nucleotide variant.
Coding change: c.5127A>C on transcript NM_033026.6 (MANE Select); coding-DNA position 5127, A replaced by C.
Protein change: p.Glu1709Asp; replaces glutamic acid 1709 with aspartic acid.
Molecular consequence: missense variant.
Genome position (GRCh38, 1-based): chr7:82,955,826, T>G on the plus strand (A>C on the coding strand, the complement: PCLO is on the minus strand). VCF-style: chr7-82955826-T-G. GRCh37 (hg19) VCF-style: chr7-82585142-T-G.
Other names: c.5127A>C, p.Glu1709Asp (NM_014510.3); c.5127A>C (NM_033026.5); short protein forms E1709D.
Identifiers: ClinVar variation 1947886 (VCV001947886.3), dbSNP rs767813179, ClinGen allele CA4320701.
Genomic context (GRCh38, chr7:82,955,826, plus strand): 5'-TGTACCAGGAGTGAAGCTGGAAGCATGCAGACTCGAAGATCCCTCTCCCCTTGACCTATC[T>G]TCAGGTGAGTCTGTCAGGCTTTCCATTTCCAATTCTGGCTCTTCGTCAAAATACAAACTT-3'
Protein context (NP_149015.2, residues 1699-1719): LEMESLTDSP[Glu1709Asp]DRSRGEGSSS

ClinVar aggregate classification (germline): Uncertain significance. Review status: criteria provided, multiple submitters, no conflicts (2 of 4 stars). 2 submissions from 2 submitters: Uncertain significance (2). Last evaluated 2023-12-15.

Conditions:
Inborn genetic diseases. Identifiers: MedGen C0950123, MeSH D030342.

Allele frequency attached by ClinVar (database versions not stated): gnomAD 0.00001; ExAC 0.00002; TOPMed 0.00004.
gnomAD v4.1: 5 of 1,613,868 alleles (0.00031%); highest among the groups gnomAD compares: African/African-American, 0.0067%; no homozygotes.

Submissions (2):

Ambry Genetics
Classification: Uncertain significance for Inborn genetic diseases. Last evaluated: 2023-12-15. Review status: criteria provided, single submitter. Criteria: Ambry Variant Classification Scheme 2023. Collection method: clinical testing. Allele origin: germline.

Labcorp Genetics (formerly Invitae), Labcorp
Classification: Uncertain significance. Last evaluated: 2022-08-06. Review status: criteria provided, single submitter. Criteria: Invitae Variant Classification Sherloc (09022015). Collection method: clinical testing. Allele origin: germline.
Comment: This sequence change replaces glutamic acid, which is acidic and polar, with aspartic acid, which is acidic and polar, at codon 1709 of the PCLO protein (p.Glu1709Asp). This variant is present in population databases (rs767813179, gnomAD 0.007%). This variant has not been reported in the literature in individuals affected with PCLO-related conditions. Algorithms developed to predict the effect of missense changes on protein structure and function are either unavailable or do not agree on the potential impact of this missense change (SIFT: "Deleterious"; PolyPhen-2: "Not Available"; Align-GVGD: "Class C0"). In summary, the available evidence is currently insufficient to determine the role of this variant in disease. Therefore, it has been classified as a Variant of Uncertain Significance.